The following is an entry in ClinVar:

NM_001754.5(RUNX1):c.519C>T (p.Phe173=)

Genes: RUNX1 (RUNX family transcription factor 1; minus strand), RUNX1-AS1 (RUNX1 antisense RNA 1; plus strand). Cytogenetic location: 21q22.12.
Variant type: single nucleotide variant.
Coding change: c.519C>T on transcript NM_001754.5 (MANE Select); coding-DNA position 519, C replaced by T.
Protein change: p.Phe173=; no amino-acid change (phenylalanine 173 retained).
Molecular consequence: synonymous variant.
Genome position (GRCh38, 1-based): chr21:34,859,568, G>A on the plus strand (C>T on the coding strand, the complement: RUNX1 is on the minus strand). VCF-style: chr21-34859568-G-A. GRCh37 (hg19) VCF-style: chr21-36231865-G-A.
Other names: NM_001754.5(RUNX1):c.519C>T; p.Phe173=; c.438C>T, p.Phe146= (NM_001001890.3, NM_001122607.2); c.519C>T (NM_001754.4).
Identifiers: ClinVar variation 1528554 (VCV001528554.12), dbSNP rs2146236792, ClinGen allele CA512319131.

ClinVar aggregate classification (germline): Likely benign. Review status: reviewed by expert panel (3 of 4 stars). 3 submissions from 3 submitters: Likely benign (1). 2 of the submissions do not count toward it. Last evaluated 2026-05-04.

Conditions:
Hereditary thrombocytopenia and hematologic cancer predisposition syndrome. Identifiers: Orphanet 71290, MedGen CN281654, MONDO:0011071.
Hereditary thrombocytopenia and hematological cancer predisposition syndrome associated with RUNX1. Also called: RUNX1 Familial Platelet Disorder with Associated Myeloid Malignancies; Familial Platelet Disorder with Propensity to Acute Myelogenous Leukemia; Familial thrombocytopenia with propensity to acute myelogenous leukemia; PLATELET DISORDER, ASPIRIN-LIKE. Identifiers: Orphanet 71290, MedGen C1832388, MeSH C563324, MONDO:0100083, OMIM 601399.
Inborn genetic diseases. Identifiers: MedGen C0950123, MeSH D030342.

Submissions (3):

ClinGen Myeloid Malignancy Variant Curation Expert Panel
Classification: Likely benign for Hereditary thrombocytopenia and hematologic cancer predisposition syndrome. Last evaluated: 2026-05-04. Review status: reviewed by expert panel. Criteria: ClinGen MyeloMalig ACMG Specifications V3.1. Collection method: curation. Allele origin: germline. Inheritance: Autosomal dominant inheritance.
Comment: NM_001754.5(RUNX1):c.519C>T (p.Phe173=) is a synonymous variant which has a SpliceAI score ≤ 0.20 (0.00) (BP4, BP7). This variant is completely absent from all population databases with at least 20x coverage for RUNX1 (PM2_supporting). In summary, this variant meets criteria to be classified as likely benign. ACMG/AMP criteria applied, as specified by the Myeloid Malignancy Variant Curation Expert Panel for RUNX1: BP4, BP7, PM2_supporting.

Ambry Genetics
Classification: Likely benign for Inborn genetic diseases. Last evaluated: 2025-03-26. Review status: criteria provided, single submitter. Criteria: Ambry Variant Classification Scheme 2023. Collection method: clinical testing. Allele origin: germline. Not counted in ClinVar's aggregate classification.

Labcorp Genetics (formerly Invitae), Labcorp
Classification: Likely benign for Hereditary thrombocytopenia and hematological cancer predisposition syndrome associated with RUNX1. Last evaluated: 2022-01-12. Review status: criteria provided, single submitter. Criteria: Invitae Variant Classification Sherloc (09022015). Collection method: clinical testing. Allele origin: germline. Not counted in ClinVar's aggregate classification.